The following is an entry in ClinVar:

NM_000051.4(ATM):c.1329A>C (p.Leu443=)

Gene: ATM (ATM serine/threonine kinase; plus strand). Cytogenetic location: 11q22.3.
Variant type: single nucleotide variant.
Coding change: c.1329A>C on transcript NM_000051.4 (MANE Select); coding-DNA position 1329, A replaced by C.
Protein change: p.Leu443=; no amino-acid change (leucine 443 retained).
Molecular consequence: synonymous variant.
Genome position (GRCh38, 1-based): chr11:108,250,794, A>C. VCF-style: chr11-108250794-A-C. GRCh37 (hg19) VCF-style: chr11-108121521-A-C.
Other names: c.1329A>C, p.Leu443= (NM_001351834.2).
Identifiers: ClinVar variation 384109 (VCV000384109.21), dbSNP rs201460863, ClinGen allele CA6264800.

ClinVar aggregate classification (germline): Benign/Likely benign. Review status: criteria provided, multiple submitters, no conflicts (2 of 4 stars). 6 submissions from 6 submitters: Benign (1); Likely benign (5). Last evaluated 2026-04-16.

Conditions:
Hereditary cancer-predisposing syndrome. Also called: Tumor predisposition; Hereditary neoplastic syndrome; Neoplastic Syndromes, Hereditary; Hereditary Cancer Syndrome. Identifiers: Orphanet 140162, MedGen C0027672, MeSH D009386, MONDO:0015356.
Familial cancer of breast. Also called: BREAST CANCER, FAMILIAL; hereditary breast carcinoma; Hereditary breast cancer. Identifiers: Orphanet 227535, MedGen C0346153, MONDO:0016419, OMIM 114480. Disease mechanism: loss of function.
Ataxia-telangiectasia syndrome (AT). Also called: Ataxia-telangiectasia; Ataxia-telangiectasia, complementation group E; AT, COMPLEMENTATION GROUP C; ATAXIA-TELANGIECTASIA, COMPLEMENTATION GROUP A; ATAXIA-TELANGIECTASIA, FRESNO VARIANT; Ataxia telangiectasia (A-T). Identifiers: Orphanet 100, MedGen C0004135, MONDO:0008840, OMIM 208900.

Allele frequency attached by ClinVar (database versions not stated): gnomAD exomes 0.00001; ExAC 0.00002; TOPMed 0.00003; 1000 Genomes Project 30x 0.00016; 1000 Genomes Project 0.00020.
gnomAD v4.1: 6 of 1,613,180 alleles (0.00037%); highest among the groups gnomAD compares: Admixed American, 0.005%; no homozygotes.

Submissions (6):

Women's Health and Genetics/Laboratory Corporation of America, LabCorp
Classification: Likely benign. Last evaluated: 2026-04-16. Review status: criteria provided, single submitter. Criteria: LabCorp Variant Classification Summary - May 2015. Collection method: clinical testing. Allele origin: germline.

Labcorp Genetics (formerly Invitae), Labcorp
Classification: Likely benign for Ataxia-telangiectasia syndrome. Last evaluated: 2025-01-20. Review status: criteria provided, single submitter. Criteria: Invitae Variant Classification Sherloc (09022015). Collection method: clinical testing. Allele origin: germline.

Myriad Genetics, Inc.
Classification: Benign for Familial cancer of breast. Last evaluated: 2024-04-26. Review status: criteria provided, single submitter. Criteria: Myriad Autosomal Dominant, Autosomal Recessive and X-Linked Classification Criteria (2023). Collection method: clinical testing. Allele origin: unknown.
Comment: This variant is considered benign. This variant is a silent/synonymous amino acid change and it is not expected to impact splicing.

GeneDx
Classification: Likely benign. Last evaluated: 2020-01-26. Review status: criteria provided, single submitter. Criteria: GeneDx Variant Classification Process June 2021. Collection method: clinical testing. Allele origin: germline. Affected: yes.

Color Diagnostics, LLC DBA Color Health
Classification: Likely benign for Hereditary cancer-predisposing syndrome. Last evaluated: 2017-06-19. Review status: criteria provided, single submitter. Criteria: ACMG Guidelines, 2015. Collection method: clinical testing. Allele origin: germline.

Ambry Genetics
Classification: Likely benign for Hereditary cancer-predisposing syndrome. Last evaluated: 2016-06-23. Review status: criteria provided, single submitter. Criteria: Ambry Variant Classification Scheme 2023. Collection method: clinical testing. Allele origin: germline.